The following is an entry in ClinVar:

ClinVar aggregate classification (germline): Uncertain significance (1 of 4 stars; one submission).

Conditions:
Pulmonary hypertension, primary, 3. Identifiers: Orphanet 422, MedGen C3809192, MONDO:0014135, OMIM 615343.

Submission:

New York Genome Center
Classification: Uncertain significance for Pulmonary hypertension, primary, 3. Last evaluated: 2020-07-17. Review status: criteria provided, single submitter. Criteria: NYGC Assertion Criteria 2020. Collection method: clinical testing. Allele origin: germline. Observed: 1 heterozygote. Study: CSER-NYCKidSeq.
Comment: The heterozygous c.30G>C (p.Glu10Asp) variant identified in the CAV1 gene substitutes a Glutamic Acid for Aspartic Acid at amino acid 10/179 (exon 1/3). The p.Glu10 residue is the last amino acid in exon 1, and he c.30G is the last nucleotide in exon 1, and in addition to the missense change at the protein level, this nucleotidemay also be involved in splicing. Both the Glutamic Acid at this position as well as the Guanine nucleotide at this position are well conserved. This variant is absent from gnomAD(v3.0) suggesting it is not a common benign variant in the populations represented in that database. In silico algorithms do not agree on the effect of this missense variant, as it is predicted both Neutral (Provean; score:-0.29) and Damaging (SIFT; score:0.049) to the function of the canonical transcript. This variant is absent from ClinVar and to our current knowledge has not been reported in affected individuals in the literature. The p.Glu10 residue is within a region of CAV1 that is required for homooligomerization (UniProtKB:Q03135). Given the lack of compelling evidence for its pathogenicity, the c.30G>C (p.Glu10Asp) variant identified in the CAV1 gene is reported as a Variant of Uncertain Significance.

NM_001753.5(CAV1):c.30G>C (p.Glu10Asp)

Gene: CAV1 (caveolin 1; plus strand). Cytogenetic location: 7q31.2.
Variant type: single nucleotide variant.
Coding change: c.30G>C on transcript NM_001753.5 (MANE Select); coding-DNA position 30, G replaced by C.
Protein change: p.Glu10Asp; replaces glutamic acid 10 with aspartic acid.
Molecular consequence: missense variant. On other transcripts: 5 prime UTR variant (1).
Genome position (GRCh38, 1-based): chr7:116,525,092, G>C. VCF-style: chr7-116525092-G-C. GRCh37 (hg19) VCF-style: chr7-116165146-G-C.
Other names: c.-777G>C (NM_001172895.1); short protein forms E10D.
Identifiers: ClinVar variation 1213801 (VCV001213801.1), dbSNP rs2115921451, ClinGen allele CA369116555.